The following is an entry in ClinVar:

NM_020937.4(FANCM):c.746G>A (p.Gly249Asp)

Gene: FANCM (FA complementation group M; plus strand). Cytogenetic location: 14q21.2.
Variant type: single nucleotide variant.
Coding change: c.746G>A on transcript NM_020937.4 (MANE Select); coding-DNA position 746, G replaced by A.
Protein change: p.Gly249Asp; replaces glycine 249 with aspartic acid.
Molecular consequence: missense variant. On other transcripts: intron variant (1).
Genome position (GRCh38, 1-based): chr14:45,140,696, G>A. VCF-style: chr14-45140696-G-A. GRCh37 (hg19) VCF-style: chr14-45609899-G-A.
Other names: c.746G>A, p.Gly249Asp (NM_001308134.2); c.681+3455G>A (NM_001308133.2); short protein forms G249D.
Identifiers: ClinVar variation 3253239 (VCV003253239.4), dbSNP rs965199350.

ClinVar aggregate classification (germline): Uncertain significance. Review status: criteria provided, multiple submitters, no conflicts (2 of 4 stars). 3 submissions from 3 submitters: Uncertain significance (3). Last evaluated 2025-03-15.

Conditions:
Inborn genetic diseases. Identifiers: MedGen C0950123, MeSH D030342.
Fanconi anemia (FA). Also called: Fanconi's anemia. Identifiers: Orphanet 84, MedGen C0015625, MeSH D005199, MONDO:0019391.

gnomAD v4.1: 1 of 1,586,020 alleles (0.000063%); highest among the groups gnomAD compares: African/African-American, 0.0013%; no homozygotes.

Submissions (3):

Ambry Genetics
Classification: Uncertain significance for Inborn genetic diseases. Last evaluated: 2025-03-15. Review status: criteria provided, single submitter. Criteria: Ambry Variant Classification Scheme 2023. Collection method: clinical testing. Allele origin: germline.
Comment: The p.G249D variant (also known as c.746G>A), located in coding exon 3 of the FANCM gene, results from a G to A substitution at nucleotide position 746. The glycine at codon 249 is replaced by aspartic acid, an amino acid with similar properties. This amino acid position is conserved. In addition, this alteration is predicted to be deleterious by in silico analysis. Based on the available evidence, the clinical significance of this variant remains unclear.

Labcorp Genetics (formerly Invitae), Labcorp
Classification: Uncertain significance for Fanconi anemia. Last evaluated: 2024-03-12. Review status: criteria provided, single submitter. Criteria: Invitae Variant Classification Sherloc (09022015). Collection method: clinical testing. Allele origin: germline.
Comment: This sequence change replaces glycine, which is neutral and non-polar, with aspartic acid, which is acidic and polar, at codon 249 of the FANCM protein (p.Gly249Asp). This variant is not present in population databases (gnomAD no frequency). This variant has not been reported in the literature in individuals affected with FANCM-related conditions. An algorithm developed to predict the effect of missense changes on protein structure and function (PolyPhen-2) suggests that this variant is likely to be disruptive. In summary, the available evidence is currently insufficient to determine the role of this variant in disease. Therefore, it has been classified as a Variant of Uncertain Significance.

GeneDx
Classification: Uncertain significance. Last evaluated: 2023-07-25. Review status: criteria provided, single submitter. Criteria: GeneDx Variant Classification Process June 2021. Collection method: clinical testing. Allele origin: germline. Affected: yes.
Comment: Not observed at significant frequency in large population cohorts (gnomAD); In silico analysis supports that this missense variant has a deleterious effect on protein structure/function; Has not been previously published as pathogenic or benign to our knowledge